The following is an entry in ClinVar:

NM_012281.3(KCND2):c.1345C>T (p.Arg449Trp)

Gene: KCND2 (potassium voltage-gated channel subfamily D member 2; plus strand). Cytogenetic location: 7q31.31.
Variant type: single nucleotide variant.
Coding change: c.1345C>T on transcript NM_012281.3 (MANE Select); coding-DNA position 1345, C replaced by T.
Protein change: p.Arg449Trp; replaces arginine 449 with tryptophan.
Molecular consequence: missense variant.
Genome position (GRCh38, 1-based): chr7:120,741,600, C>T. VCF-style: chr7-120741600-C-T. GRCh37 (hg19) VCF-style: chr7-120381654-C-T.
Other names: short protein forms R449W.
Identifiers: ClinVar variation 3715332 (VCV003715332.2).
Genomic context (GRCh38, chr7:120,741,600, plus strand): 5'-AGACTGGCCAGGATCCGGGCAGCCAAAAGCGGAAGCGCAAATGCTTACATGCAGAGCAAA[C>T]GGAATGGTTTACTCAGTAATCAGCTGCAGGTACAATCAATTACATCTCTTTTTTTAATGT-3'
Protein context (NP_036413.1, residues 439-459): GSANAYMQSK[Arg449Trp]NGLLSNQLQS

ClinVar aggregate classification (germline): Uncertain significance (1 of 4 stars; one submission).

Conditions:
Early Myoclonic Encephalopathy. Identifiers: MedGen C0270855.

gnomAD v4.1: 4 of 1,612,788 alleles (0.00025%); highest among the groups gnomAD compares: South Asian, 0.0011%; no homozygotes.

Submission:

Labcorp Genetics (formerly Invitae), Labcorp
Classification: Uncertain significance for Early Myoclonic Encephalopathy. Last evaluated: 2024-10-22. Review status: criteria provided, single submitter. Criteria: Invitae Variant Classification Sherloc (09022015). Collection method: clinical testing. Allele origin: germline.
Comment: This sequence change replaces arginine, which is basic and polar, with tryptophan, which is neutral and slightly polar, at codon 449 of the KCND2 protein (p.Arg449Trp). This variant is not present in population databases (gnomAD no frequency). This variant has not been reported in the literature in individuals affected with KCND2-related conditions. Invitae Evidence Modeling of protein sequence and biophysical properties (such as structural, functional, and spatial information, amino acid conservation, physicochemical variation, residue mobility, and thermodynamic stability) indicates that this missense variant is not expected to disrupt KCND2 protein function with a negative predictive value of 95%. In summary, the available evidence is currently insufficient to determine the role of this variant in disease. Therefore, it has been classified as a Variant of Uncertain Significance.